The following is an entry in ClinVar:

NM_000531.6(OTC):c.463G>C (p.Ala155Pro)

Gene: OTC (ornithine transcarbamylase; plus strand). Cytogenetic location: Xp11.4.
Variant type: single nucleotide variant.
Coding change: c.463G>C on transcript NM_000531.6 (MANE Select); coding-DNA position 463, G replaced by C.
Protein change: p.Ala155Pro; replaces alanine 155 with proline.
Molecular consequence: missense variant.
Genome position (GRCh38, 1-based): chrX:38,401,351, G>C. VCF-style: chrX-38401351-G-C. GRCh37 (hg19) VCF-style: chrX-38260604-G-C.
Other names: short protein forms A155P.
Identifiers: ClinVar variation 97208 (VCV000097208.2), dbSNP rs67890094, ClinGen allele CA224621.

ClinVar aggregate classification (germline): Pathogenic (0 of 4 stars; one submission).

Submission:

GenMed Metabolism Lab
Classification: Pathogenic. Review status: no assertion criteria provided. Collection method: not provided. Allele origin: unknown.
ClinVar note: Converted during submission from pathogenic to Pathogenic.